The following is an entry in ClinVar:

NM_001080442.3(SLC38A8):c.961A>T (p.Met321Leu)

Gene: SLC38A8 (solute carrier family 38 member 8; minus strand). Cytogenetic location: 16q23.3.
Variant type: single nucleotide variant.
Coding change: c.961A>T on transcript NM_001080442.3 (MANE Select); coding-DNA position 961, A replaced by T.
Protein change: p.Met321Leu; replaces methionine 321 with leucine.
Molecular consequence: missense variant.
Genome position (GRCh38, 1-based): chr16:84,016,720, T>A on the plus strand (A>T on the coding strand, the complement: SLC38A8 is on the minus strand). VCF-style: chr16-84016720-T-A. GRCh37 (hg19) VCF-style: chr16-84050325-T-A.
Other names: short protein forms M321L.
Identifiers: ClinVar variation 730913 (VCV000730913.8), dbSNP rs144753514, ClinGen allele CA8199858.

ClinVar aggregate classification (germline): Benign. Review status: criteria provided, single submitter (1 of 4 stars). 2 submissions from 2 submitters: Benign (1). 1 of the submissions does not count toward it. Last evaluated 2026-01-10.

Conditions:
SLC38A8-related disorder. Also called: SLC38A8-related condition.

Allele frequency attached by ClinVar (database versions not stated): gnomAD exomes 0.00078 and 0.00030; ExAC 0.00093; 1000 Genomes Project 30x 0.00203; 1000 Genomes Project 0.00240; gnomAD 0.00324 and 0.00354; TOPMed 0.00362.

Submissions (2):

Labcorp Genetics (formerly Invitae), Labcorp
Classification: Benign. Last evaluated: 2026-01-10. Review status: criteria provided, single submitter. Criteria: Invitae Variant Classification Sherloc (09022015). Collection method: clinical testing. Allele origin: germline.

PreventionGenetics, part of Exact Sciences
Classification: Benign for SLC38A8-related condition. Last evaluated: 2024-08-27. Review status: no assertion criteria provided. Collection method: clinical testing. Allele origin: germline. Not counted in ClinVar's aggregate classification.
Comment: This variant is classified as benign based on ACMG/AMP sequence variant interpretation guidelines (Richards et al. 2015 PMID: 25741868, with internal and published modifications).